The following is an entry in ClinVar:

ClinVar aggregate classification (germline): Uncertain significance (1 of 4 stars; one submission).

Submission:

Labcorp Genetics (formerly Invitae), Labcorp
Classification: Uncertain significance. Last evaluated: 2025-09-02. Review status: criteria provided, single submitter. Criteria: Invitae Variant Classification Sherloc (09022015). Collection method: clinical testing. Allele origin: germline.
Comment: This sequence change replaces glutamic acid, which is acidic and polar, with lysine, which is basic and polar, at codon 92 of the DDRGK1 protein (p.Glu92Lys). This variant is not present in population databases (gnomAD no frequency). This variant has not been reported in the literature in individuals affected with DDRGK1-related conditions. ClinVar contains an entry for this variant (Variation ID: 2781294). An algorithm developed to predict the effect of missense changes on protein structure and function (PolyPhen-2) suggests that this variant is likely to be tolerated. In summary, the available evidence is currently insufficient to determine the role of this variant in disease. Therefore, it has been classified as a Variant of Uncertain Significance.

NM_023935.3(DDRGK1):c.274G>A (p.Glu92Lys)

Gene: DDRGK1 (DDRGK domain containing 1; minus strand). Cytogenetic location: 20p13.
Variant type: single nucleotide variant.
Coding change: c.274G>A on transcript NM_023935.3 (MANE Select); coding-DNA position 274, G replaced by A.
Protein change: p.Glu92Lys; replaces glutamic acid 92 with lysine.
Molecular consequence: missense variant.
Genome position (GRCh38, 1-based): chr20:3,203,234, C>T on the plus strand (G>A on the coding strand, the complement: DDRGK1 is on the minus strand). VCF-style: chr20-3203234-C-T. GRCh37 (hg19) VCF-style: chr20-3183880-C-T.
Other names: short protein forms E92K.
Identifiers: ClinVar variation 2781294 (VCV002781294.3), dbSNP rs2514389103, ClinGen allele CA408072813.